The following is an entry in ClinVar:

ClinVar aggregate classification (germline): Uncertain significance (1 of 4 stars; one submission).

Conditions:
3-hydroxyisobutyryl-CoA hydrolase deficiency. Also called: HIBCH DEFICIENCY; METHACRYLIC ACID TOXICITY; METHACRYLIC ACIDURIA; VALINE METABOLIC DEFECT; Reduced circulating 3-hydroxyisobutyryl-CoA hydrolase activity; Deficiency of 3-hydroxyisobutyryl CoA hydrolase. Identifiers: Orphanet 88639, MedGen C0342738, MONDO:0009603, OMIM 250620, HP:6000215.

gnomAD v4.1: 6 of 1,609,042 alleles (0.00037%); highest among the groups gnomAD compares: Admixed American, 0.0033%; no homozygotes.

Submission:

Labcorp Genetics (formerly Invitae), Labcorp
Classification: Uncertain significance for 3-hydroxyisobutyryl-CoA hydrolase deficiency. Last evaluated: 2022-07-01. Review status: criteria provided, single submitter. Criteria: Invitae Variant Classification Sherloc (09022015). Collection method: clinical testing. Allele origin: germline.
Comment: This sequence change replaces alanine, which is neutral and non-polar, with threonine, which is neutral and polar, at codon 362 of the HIBCH protein (p.Ala362Thr). This variant is present in population databases (rs375193143, gnomAD 0.003%). This variant has not been reported in the literature in individuals affected with HIBCH-related conditions. Algorithms developed to predict the effect of missense changes on protein structure and function (SIFT, PolyPhen-2, Align-GVGD) all suggest that this variant is likely to be tolerated. In summary, the available evidence is currently insufficient to determine the role of this variant in disease. Therefore, it has been classified as a Variant of Uncertain Significance.

NM_014362.4(HIBCH):c.1084G>A (p.Ala362Thr)

Gene: HIBCH (3-hydroxyisobutyryl-CoA hydrolase; minus strand). Cytogenetic location: 2q32.2.
Variant type: single nucleotide variant.
Coding change: c.1084G>A on transcript NM_014362.4 (MANE Select); coding-DNA position 1084, G replaced by A.
Protein change: p.Ala362Thr; replaces alanine 362 with threonine.
Molecular consequence: missense variant. On other transcripts: 3 prime UTR variant (1).
Genome position (GRCh38, 1-based): chr2:190,205,194, C>T on the plus strand (G>A on the coding strand, the complement: HIBCH is on the minus strand). VCF-style: chr2-190205194-C-T. GRCh37 (hg19) VCF-style: chr2-191069920-C-T.
Other names: c.*33G>A (NM_198047.3); short protein forms A362T.
Identifiers: ClinVar variation 1913338 (VCV001913338.2), dbSNP rs375193143, ClinGen allele CA2027344.
Genomic context (GRCh38, chr2:190,205,194, plus strand): 5'-TGCTTCCCAAAGACTTAAAGTGATTATTCAAATCTTCCTCAGTAACTTCTTTTAGATCAG[C>T]TGGTTTCCATTTTGGACTCTGGTCTTTATCAATTAAAACTGTCAAGAGAAGATACAAATG-3'
Protein context (NP_055177.2, residues 352-372): DKDQSPKWKP[Ala362Thr]DLKEVTEEDL